The following is an entry in ClinVar:

ClinVar aggregate classification (germline): Conflicting classifications of pathogenicity. Review status: criteria provided, conflicting classifications (1 of 4 stars). 2 submissions from 2 submitters: Uncertain significance (1); Likely benign (1). Last evaluated 2025-08-11.

Conditions:
Early-infantile DEE. Also called: Early infantile epileptic encephalopathy; Ohtahara syndrome; Early infantile epileptic encephalopathy with suppression bursts. Identifiers: Orphanet 1934, MedGen C0393706, MONDO:0800491.

Allele frequency attached by ClinVar (database versions not stated): gnomAD exomes below 0.00001 and 0.00005; ExAC 0.00001; gnomAD 0.00001; TOPMed 0.00002.
gnomAD v4.1: 68 of 1,613,798 alleles (0.0042%); highest among the groups gnomAD compares: Non-Finnish European, 0.0057%; no homozygotes.

Submissions (2):

Labcorp Genetics (formerly Invitae), Labcorp
Classification: Uncertain significance for Early-infantile DEE. Last evaluated: 2025-08-11. Review status: criteria provided, single submitter. Criteria: Invitae Variant Classification Sherloc (09022015). Collection method: clinical testing. Allele origin: germline.
Comment: This sequence change replaces isoleucine, which is neutral and non-polar, with leucine, which is neutral and non-polar, at codon 1594 of the SCN8A protein (p.Ile1594Leu). This variant is present in population databases (rs752829853, gnomAD 0.0009%). This variant has not been reported in the literature in individuals affected with SCN8A-related conditions. ClinVar contains an entry for this variant (Variation ID: 207144). Invitae Evidence Modeling of protein sequence and biophysical properties (such as structural, functional, and spatial information, amino acid conservation, physicochemical variation, residue mobility, and thermodynamic stability) indicates that this missense variant is expected to disrupt SCN8A protein function with a positive predictive value of 95%. In summary, the available evidence is currently insufficient to determine the role of this variant in disease. Therefore, it has been classified as a Variant of Uncertain Significance.

GeneDx
Classification: Likely benign. Last evaluated: 2024-11-30. Review status: criteria provided, single submitter. Criteria: GeneDx Variant Classification Process June 2021. Collection method: clinical testing. Allele origin: germline. Affected: yes.
Comment: See Variant Classification Assertion Criteria.

NM_001330260.2(SCN8A):c.4780A>C (p.Ile1594Leu)

Gene: SCN8A (sodium voltage-gated channel alpha subunit 8; plus strand). Cytogenetic location: 12q13.13.
Variant type: single nucleotide variant.
Coding change: c.4780A>C on transcript NM_001330260.2 (MANE Select); coding-DNA position 4780, A replaced by C.
Protein change: p.Ile1594Leu; replaces isoleucine 1594 with leucine.
Molecular consequence: missense variant.
Genome position (GRCh38, 1-based): chr12:51,794,626, A>C. VCF-style: chr12-51794626-A-C. GRCh37 (hg19) VCF-style: chr12-52188410-A-C.
Other names: p.I1594L:ATC>CTC; c.4657A>C, p.Ile1553Leu (NM_001177984.3, NM_001369788.1); c.4780A>C, p.Ile1594Leu (NM_014191.4); short protein forms I1594L, I1553L.
Identifiers: ClinVar variation 207144 (VCV000207144.8), dbSNP rs752829853, ClinGen allele CA318325.